The following is an entry in ClinVar:

NM_017636.4(TRPM4):c.2260_2264dup (p.Pro756fs)

Gene: TRPM4 (transient receptor potential cation channel subfamily M member 4; plus strand). Cytogenetic location: 19q13.33.
Variant type: Duplication.
Coding change: c.2260_2264dup on transcript NM_017636.4 (MANE Select); coding-DNA positions 2260 to 2264, 5 bases duplicated (GGCCG; older notation c.2260_2264dupGGCCG).
Protein change: p.Pro756fs; shifts the reading frame from proline 756.
Molecular consequence: frameshift variant. On other transcripts: intron variant (1).
Genome position (GRCh38, 1-based): chr19:49,196,489-49,196,493, GGCCG duplicated; duplicating any 5 consecutive bases within chr19:49,196,487-49,196,493 gives the same sequence; the c. name uses the placement nearest the transcript's 3' end. VCF-style (leftmost placement, unchanged base first): chr19-49196486-T-TCGGGC. GRCh37 (hg19) VCF-style: chr19-49699743-T-TCGGGC.
Other names: c.1915_1919dup, p.Pro641fs (NM_001321281.2); c.652_656dup, p.Pro220fs (NM_001321282.2); c.1738_1742dup, p.Pro582fs (NM_001321283.2); c.1198_1202dup, p.Pro402fs (NM_001321285.2); c.2211-3811_2211-3807dup (NM_001195227.2); short protein forms P220fs, P402fs, P582fs, P641fs, P756fs.
Identifiers: ClinVar variation 2576830 (VCV002576830.1), dbSNP rs2514177024, ClinGen allele CA2580614979.

ClinVar aggregate classification (germline): Uncertain significance (1 of 4 stars; one submission).

Submission:

GeneDx
Classification: Uncertain significance. Last evaluated: 2023-02-15. Review status: criteria provided, single submitter. Criteria: GeneDx Variant Classification Process June 2021. Collection method: clinical testing. Allele origin: germline. Affected: yes.
Comment: Has not been previously published as pathogenic or benign to our knowledge; Not observed at significant frequency in large population cohorts (gnomAD); Frameshift variant predicted to result in protein truncation or nonsense mediated decay in a gene or region of a gene for which loss of function is not a well-established mechanism of disease